The following is an entry in ClinVar:

NM_000135.4(FANCA):c.709+5G>A

Gene: FANCA (FA complementation group A; minus strand). Cytogenetic location: 16q24.3.
Variant type: single nucleotide variant.
Coding change: c.709+5G>A on transcript NM_000135.4 (MANE Select); 5 bases into the intron after coding-DNA position 709, G replaced by A.
Molecular consequence: intron variant.
Genome position (GRCh38, 1-based): chr16:89,805,275, C>T on the plus strand (G>A on the coding strand, the complement: FANCA is on the minus strand). VCF-style: chr16-89805275-C-T. GRCh37 (hg19) VCF-style: chr16-89871683-C-T.
Other names: IVS7DS, G-A, +5; c.709+5G>A (NM_001286167.3, NM_001018112.3, NM_000135.3); c.613+5G>A (NM_001351830.2).
Identifiers: ClinVar variation 408169 (VCV000408169.32), dbSNP rs759877008, ClinGen allele CA8252848.

ClinVar aggregate classification (germline): Pathogenic/Likely pathogenic. Review status: criteria provided, multiple submitters, no conflicts (2 of 4 stars). 14 submissions from 14 submitters: Pathogenic (7); Likely pathogenic (4). 3 of the submissions do not count toward it. Last evaluated 2026-01-16.

Conditions:
Fanconi anemia (FA). Also called: Fanconi's anemia. Identifiers: Orphanet 84, MedGen C0015625, MeSH D005199, MONDO:0019391.
Fanconi anemia complementation group A (FANCA). Also called: FANCA-Related Fanconi Anemia; Fanconi anemia, group A. Identifiers: Orphanet 84, MedGen C3469521, MONDO:0009215, OMIM 227650.
FANCA-related disorders.

Allele frequency attached by ClinVar (database versions not stated): gnomAD 0.00001; gnomAD exomes 0.00001 and 0.00002; ExAC 0.00002; TOPMed 0.00002.
gnomAD v4.1: 15 of 1,608,624 alleles (0.00093%); highest among the groups gnomAD compares: South Asian, 0.0077%; 1 homozygote.

Submissions (14):

Labcorp Genetics (formerly Invitae), Labcorp
Classification: Pathogenic for Fanconi anemia. Last evaluated: 2026-01-16. Review status: criteria provided, single submitter. Criteria: Invitae Variant Classification Sherloc (09022015). Collection method: clinical testing. Allele origin: germline.
Comment: This sequence change falls in intron 7 of the FANCA gene. It does not directly change the encoded amino acid sequence of the FANCA protein. RNA analysis indicates that this variant induces altered splicing and likely results in the gain of 10 novel amino acids amino acid residue(s), but is expected to preserve the integrity of the reading-frame. This variant is present in population databases (rs759877008, gnomAD 0.02%). This variant has been observed in individual(s) with Fanconi anemia (PMID: 8896563, 10094191, 19423727, 21273304). In at least one individual the data is consistent with being in trans (on the opposite chromosome) from a pathogenic variant. This variant is also known as 740+5G>A or IVS7+5G>A. ClinVar contains an entry for this variant (Variation ID: 408169). Algorithms developed to predict the effect of variants on gene product structure and function are not available or were not evaluated for this variant. Experimental studies have shown that this variant affects FANCA function (PMID: 19423727). Variants that disrupt the consensus splice site are a relatively common cause of aberrant splicing (PMID: 17576681, 9536098). Studies have shown that this variant results in the activation of a cryptic splice site in intron 7 (PMID: 19423727). For these reasons, this variant has been classified as Pathogenic.

Natera, Inc.
Classification: Likely pathogenic for Fanconi anemia. Last evaluated: 2024-09-19. Review status: criteria provided, single submitter. Criteria: Natera Variant Classification Schema (03/2026). Collection method: clinical testing. Allele origin: germline.
Comment: The c.709+5G>A variant in FANCA is an intronic variant located outside the canonical splice sites. This variant is rare in the general population with a frequency below the threshold expected for the associated phenotype(s). This variant has been observed in one or more individuals affected with the associated recessive disease, as either homozygous or compound heterozygous with a second variant (PMID: 29098742, 31586946). Functional studies show that this variant may disrupt protein function (PMID: 19423727). Computational prediction algorithms indicate this variant is likely to affect gene or protein function. Given the available evidence, this variant is classified as Likely Pathogenic.

Baylor Genetics
Classification: Pathogenic for Fanconi anemia complementation group A. Last evaluated: 2024-03-22. Review status: criteria provided, single submitter. Criteria: ACMG Guidelines, 2015. Collection method: clinical testing. Allele origin: unknown.

Quest Diagnostics Nichols Institute San Juan Capistrano
Classification: Pathogenic. Last evaluated: 2022-10-24. Review status: criteria provided, single submitter. Criteria: Quest Diagnostics criteria. Collection method: clinical testing. Allele origin: unknown.
Comment: The frequency of this variant in the general population, 0.0002 (4/19948 chromosomes), is uninformative in assessment of its pathogenicity. In the published literature, the variant has been detected in individuals with Fanconi Anemia. Those individuals were compound heterozygous for the variant and a pathogenic variant in the FANCA gene (PMID: 17924555 (2008), 19423727 (2009), 21273304 (2011), 29098742 (2018)) . It has been reported in an individual with ovarian cancer (PMID: 32235514 (2020)). A functional study has demonstrated that this variant has a deleterious effect on FANCA protein function (PMID: 19423727 (2009)). Analysis of this variant using software algorithms for the prediction of the effect of nucleotide changes on splicing yielded predictions that this variant may affect proper FANCA mRNA splicing . Based on the available information, this variant is classified as pathogenic.

Fulgent Genetics
Classification: Pathogenic for Fanconi anemia complementation group A. Last evaluated: 2022-05-06. Review status: criteria provided, single submitter. Criteria: ACMG Guidelines, 2015. Collection method: clinical testing. Allele origin: unknown.

Genetic Services Laboratory, University of Chicago
Classification: Likely pathogenic. Last evaluated: 2021-12-14. Review status: criteria provided, single submitter. Criteria: ACMG Guidelines, 2015. Collection method: clinical testing. Allele origin: germline. Affected: yes.
Comment: DNA sequence analysis of the FANCA gene demonstrated a sequence change located near the canonical splice donor site in intron 7, c.709+5G>A. This sequence change has been described in the gnomAD database with a frequency of 0.02% in the East Asian subpopulation (dbSNP rs759877008). This sequence change has been previously described, along with other pathogenic variants, in the individuals with Fanconi anemia (PMID: 21273304, 8896563, 19423727, 10094191) and in the heterozygous state in an individual with a personal history of ovarian cancer and family history of Lynch syndrome related cancers (PMID: 32235514). Based on in-silico splice prediction programs, this sequence change likely affects normal splicing of the FANCA gene and an experimental study demonstrated that this sequence change impacts normal splicing leading to the production of an abnormal protein with impaired function (PMID: 19423727). Based on these collective evidences, this sequence change is classified as likely pathogenic.

Revvity Omics, Revvity
Classification: Pathogenic for Fanconi anemia complementation group A. Last evaluated: 2021-05-10. Review status: criteria provided, single submitter. Criteria: ACMG Guidelines, 2015. Collection method: clinical testing. Allele origin: germline.

Blueprint Genetics
Classification: Likely pathogenic for FANCA-related disorders. Last evaluated: 2021-03-30. Review status: criteria provided, single submitter. Criteria: ACMG Guidelines, 2015. Collection method: clinical testing. Allele origin: germline. Affected: yes. Observed: 2 variant alleles.

Genetics and Molecular Pathology, SA Pathology
Classification: Pathogenic for Fanconi anemia complementation group A. Last evaluated: 2020-05-01. Review status: criteria provided, single submitter. Criteria: ACMG Guidelines, 2015. Collection method: clinical testing. Allele origin: germline. Inheritance: Autosomal recessive inheritance. Affected: yes.
Comment: The FANCA:c.709+5G>A variant is a single base change located in intron 7. The variant has been reported in the literature in individuals with a second pathogenic FANCA variant and is associated with disease (PMID: 21273304, PMID: 29098742) (PS1). RNA studies demonstrate that the variant results in aberrant splicing and the insertion of 30bp intronic sequence. The insertion adds 10 amino acids in-frame between codons 236 and 237 (PMID: 8896563). Functional studies show that the variant is unable to restore FANCD2 monoubiquitination in FANCA-deficient lymphoblasts supporting its pathogenicity (PMID: 19423727) (PS3). The variant is rare in population databases at 0.002% (5 het/ 279588 allele count) (PP). It is described in ClinVar as pathogenic/ likely pathogenic and HGMD (2020.1) as disease causing (PP5). Splice prediction programs in Alamut also predict the variant will remove the exon 7 donor site.

Institute of Human Genetics, University of Leipzig Medical Center
Classification: Pathogenic for Fanconi anemia complementation group A. Last evaluated: 2020-01-03. Review status: criteria provided, single submitter. Criteria: ACMG Guidelines, 2015. Collection method: clinical testing. Allele origin: germline. Affected: yes. Observed: 1 variant allele.

Juno Genomics, Hangzhou Juno Genomics, Inc
Classification: Likely pathogenic for Fanconi anemia complementation group A. Review status: criteria provided, single submitter. Criteria: ACMG Guidelines, 2015. Collection method: clinical testing. Allele origin: germline.
Comment: Absent from controls (or at extremely low frequency if recessive) in Genome Aggregation Database.;Well-established in vitro or in vivo functional studies supportive of a damaging effect on the gene or gene product.;For recessive disorders, detected in trans with a pathogenic variant.;Patient's phenotype or family history is highly specific for a disease with a single genetic etiology.

Leiden Open Variation Database
Classification: Pathogenic for Fanconi anemia complementation group A. Last evaluated: 2020-02-28. Review status: no assertion criteria provided. Collection method: curation. Allele origin: germline. Affected: no. Not counted in ClinVar's aggregate classification.
Comment: Curator: Arleen D. Auerbach. Submitters to LOVD: Arleen D. Auerbach, Johan de Winter, Johan den Dunnen.

Counsyl
Classification: Likely pathogenic for Fanconi anemia complementation group A. Last evaluated: 2018-03-07. Review status: no assertion criteria provided. Collection method: clinical testing. Allele origin: unknown. Not counted in ClinVar's aggregate classification.

OMIM
Classification: Pathogenic for FANCONI ANEMIA, COMPLEMENTATION GROUP A. Last evaluated: 2009-07-02. Review status: no assertion criteria provided. Collection method: literature only. Allele origin: germline. Not counted in ClinVar's aggregate classification.

Literature cited by the submitters: PubMed 8896563 (cited by Labcorp Genetics (formerly Invitae), Labcorp and Genetics and Molecular Pathology, SA Pathology); PubMed 10094191 (cited by 3 submitters); PubMed 19423727 (cited by 7 submitters); PubMed 21273304 (cited by 4 submitters); PubMed 17576681 (cited by Labcorp Genetics (formerly Invitae), Labcorp); PubMed 9536098 (cited by Labcorp Genetics (formerly Invitae), Labcorp); PubMed 29098742 (cited by 4 submitters); PubMed 31586946 (cited by Natera, Inc.); PubMed 17924555 (cited by 3 submitters); PubMed 31589614 (cited by Quest Diagnostics Nichols Institute San Juan Capistrano); PubMed 32235514 (cited by Quest Diagnostics Nichols Institute San Juan Capistrano); PubMed 25583207 (cited by Quest Diagnostics Nichols Institute San Juan Capistrano and Counsyl); PubMed 17726045 (cited by Counsyl).